The following is an entry in ClinVar:

NM_021095.4(SLC5A6):c.1150C>T (p.Arg384Ter)

Gene: SLC5A6 (solute carrier family 5 member 6; minus strand). Cytogenetic location: 2p23.3.
Variant type: single nucleotide variant.
Coding change: c.1150C>T on transcript NM_021095.4 (MANE Select); coding-DNA position 1150, C replaced by T.
Protein change: p.Arg384Ter; replaces arginine 384 with a stop codon.
Molecular consequence: nonsense. On other transcripts: non-coding transcript variant (1).
Genome position (GRCh38, 1-based): chr2:27,203,290, G>A on the plus strand (C>T on the coding strand, the complement: SLC5A6 is on the minus strand). VCF-style: chr2-27203290-G-A. GRCh37 (hg19) VCF-style: chr2-27426158-G-A.
Other names: short protein forms R384*.
Identifiers: ClinVar variation 5003092 (VCV005003092.1).
Genomic context (GRCh38, chr2:27,203,290, plus strand): 5'-CACCAAGGCCTCTGGAAAGCATGATGGCCCGGGCTTCAGAGAACTCAGGGAACCAAGGTC[G>A]AATCAGGTCTTCCATCGTAACAGTTGCCAATGAATTAAAAGCAGAGGATATAGTGCTGAA-3'

ClinVar aggregate classification (germline): Likely pathogenic (1 of 4 stars; one submission).

Conditions:
Peripheral motor neuropathy, childhood-onset, biotin-responsive. Identifiers: MedGen C5676997, MONDO:0859255, OMIM 619903.

gnomAD v4.1: 26 of 1,613,990 alleles (0.0016%); highest among the groups gnomAD compares: Admixed American, 0.038%; no homozygotes.

Submission:

OLLIN Analises Genomicas, OLLIN
Classification: Likely pathogenic for Peripheral motor neuropathy, childhood-onset, biotin-responsive. Last evaluated: 2026-08-06. Review status: criteria provided, single submitter. Criteria: ACMG Guidelines 2015 PMID 25741868. Collection method: clinical testing. Allele origin: germline.
Comment: This nonsense variant, located in exon 11 (of 17), has been observed in gnomAD with an allele frequency of 0.0016%, but has not been reported in ClinVar or identified in the literature. This variant introduces a premature stop codon, which is predicted to result in either a truncated protein or degradation of the mRNA via nonsense-mediated decay (NMD). According to the currently available evidence, this variant has been classified as likely pathogenic (PVS1, PM2_P).